The following is an entry in ClinVar:

NM_001145678.3(KIAA0825):c.1692T>C (p.Tyr564=)

Gene: KIAA0825 (KIAA0825; minus strand). Cytogenetic location: 5q15.
Variant type: single nucleotide variant.
Coding change: c.1692T>C on transcript NM_001145678.3 (MANE Select); coding-DNA position 1692, T replaced by C.
Protein change: p.Tyr564=; no amino-acid change (tyrosine 564 retained).
Molecular consequence: synonymous variant. On other transcripts: non-coding transcript variant (1).
Genome position (GRCh38, 1-based): chr5:94,471,495, A>G on the plus strand (T>C on the coding strand, the complement: KIAA0825 is on the minus strand). VCF-style: chr5-94471495-A-G. GRCh37 (hg19) VCF-style: chr5-93807200-A-G.
Other names: c.1692T>C, p.Tyr564= (NM_001385712.1, NM_001385713.1, NM_001388325.1).
Identifiers: ClinVar variation 3037156 (VCV003037156.15), dbSNP rs114467120, ClinGen allele CA3344130.

ClinVar aggregate classification (germline): Benign. Review status: criteria provided, single submitter (1 of 4 stars). 2 submissions from 2 submitters: Benign (1). 1 of the submissions does not count toward it. Last evaluated 2026-09-01.

Conditions:
KIAA0825-related disorder. Also called: KIAA0825-related condition.

Allele frequency attached by ClinVar (database versions not stated): TOPMed 0.00881; gnomAD 0.00919; ExAC 0.01024; ESP Exome Variant Server 0.01183; gnomAD exomes 0.01202; 1000 Genomes Project 30x 0.00531; 1000 Genomes Project 0.00559.

Submissions (2):

CeGaT Center for Human Genetics Tuebingen
Classification: Benign. Last evaluated: 2026-09-01. Review status: criteria provided, single submitter. Criteria: CeGaT Center For Human Genetics Tuebingen Variant Classification Criteria Version 2. Collection method: clinical testing. Allele origin: germline. Affected: yes. Observed: 3 variant alleles.
Comment: KIAA0825: BP4, BP7, BS1, BS2

PreventionGenetics, part of Exact Sciences
Classification: Benign for KIAA0825-related condition. Last evaluated: 2019-11-21. Review status: no assertion criteria provided. Collection method: clinical testing. Allele origin: germline. Not counted in ClinVar's aggregate classification.
Comment: This variant is classified as benign based on ACMG/AMP sequence variant interpretation guidelines (Richards et al. 2015 PMID: 25741868, with internal and published modifications).